The following is an entry in ClinVar:

NM_015690.5(STK36):c.1419G>A (p.Leu473=)

Gene: STK36 (serine/threonine kinase 36; plus strand). Cytogenetic location: 2q35.
Variant type: single nucleotide variant.
Coding change: c.1419G>A on transcript NM_015690.5 (MANE Select); coding-DNA position 1419, G replaced by A.
Protein change: p.Leu473=; no amino-acid change (leucine 473 retained).
Molecular consequence: synonymous variant.
Genome position (GRCh38, 1-based): chr2:218,688,735, G>A. VCF-style: chr2-218688735-G-A. GRCh37 (hg19) VCF-style: chr2-219553458-G-A.
Other names: c.1419G>A, p.Leu473= (NM_001243313.2, NM_001369423.1).
Identifiers: ClinVar variation 746833 (VCV000746833.28), dbSNP rs141511662, ClinGen allele CA2110807.

ClinVar aggregate classification (germline): Likely benign. Review status: criteria provided, multiple submitters, no conflicts (2 of 4 stars). 3 submissions from 3 submitters: Likely benign (3). Last evaluated 2024-05-09.

Allele frequency attached by ClinVar (database versions not stated): 1000 Genomes Project 30x 0.00016; 1000 Genomes Project 0.00020; ExAC 0.00021; gnomAD exomes 0.00022 and 0.00031; ESP Exome Variant Server 0.00023; gnomAD 0.00024; TOPMed 0.00027.

Submissions (3):

Blueprint Genetics
Classification: Likely benign. Last evaluated: 2024-05-09. Review status: criteria provided, single submitter. Criteria: ACMG Guidelines, 2015. Collection method: clinical testing. Allele origin: germline.

CeGaT Center for Human Genetics Tuebingen
Classification: Likely benign. Last evaluated: 2023-11-01. Review status: criteria provided, single submitter. Criteria: CeGaT Center For Human Genetics Tuebingen Variant Classification Criteria Version 2. Collection method: clinical testing. Allele origin: germline. Affected: yes. Observed: 1 variant allele.
Comment: STK36: BP4, BP7

Labcorp Genetics (formerly Invitae), Labcorp
Classification: Likely benign. Last evaluated: 2019-12-31. Review status: criteria provided, single submitter. Criteria: Invitae Variant Classification Sherloc (09022015). Collection method: clinical testing. Allele origin: germline.